The following is an entry in ClinVar:

ClinVar aggregate classification (germline): Uncertain significance. Review status: criteria provided, multiple submitters, no conflicts (2 of 4 stars). 5 submissions from 4 submitters: Uncertain significance (5). Last evaluated 2023-11-04.

Conditions:
Inborn genetic diseases. Identifiers: MedGen C0950123, MeSH D030342.
Usher syndrome type 2A. Also called: RETINAL DISEASE IN USHER SYNDROME TYPE IIA, MODIFIER OF; USHER SYNDROME, TYPE IIA. Identifiers: Orphanet 231178, Orphanet 886, MedGen C1848634, MONDO:0010169, OMIM 276901.
Retinitis pigmentosa 39 (RP39). Identifiers: Orphanet 791, MedGen C3151138, MONDO:0013436, OMIM 613809.

Allele frequency attached by ClinVar (database versions not stated): gnomAD exomes below 0.00001; ExAC 0.00002.
gnomAD v4.1: 4 of 1,614,168 alleles (0.00025%); highest among the groups gnomAD compares: Admixed American, 0.005%; no homozygotes.

Submissions (5):

Genome-Nilou Lab
Classification: Uncertain significance for Retinitis pigmentosa 39. Last evaluated: 2023-11-04. Review status: criteria provided, single submitter. Criteria: ACMG Guidelines, 2015. Collection method: clinical testing. Allele origin: germline. Affected: no.

Genome-Nilou Lab
Classification: Uncertain significance for Usher syndrome type 2A. Last evaluated: 2023-11-04. Review status: criteria provided, single submitter. Criteria: ACMG Guidelines, 2015. Collection method: clinical testing. Allele origin: germline. Affected: no.

Ambry Genetics
Classification: Uncertain significance for Inborn genetic diseases. Last evaluated: 2022-12-15. Review status: criteria provided, single submitter. Criteria: Ambry Variant Classification Scheme 2023. Collection method: clinical testing. Allele origin: germline.

Blueprint Genetics
Classification: Uncertain significance. Last evaluated: 2022-11-17. Review status: criteria provided, single submitter. Criteria: ACMG Guidelines, 2015. Collection method: clinical testing. Allele origin: germline.

Labcorp Genetics (formerly Invitae), Labcorp
Classification: Uncertain significance. Last evaluated: 2022-06-20. Review status: criteria provided, single submitter. Criteria: Invitae Variant Classification Sherloc (09022015). Collection method: clinical testing. Allele origin: germline.
Comment: This sequence change replaces glycine, which is neutral and non-polar, with glutamic acid, which is acidic and polar, at codon 2928 of the USH2A protein (p.Gly2928Glu). This variant is present in population databases (rs746586128, gnomAD 0.009%). This variant has not been reported in the literature in individuals affected with USH2A-related conditions. Algorithms developed to predict the effect of missense changes on protein structure and function (SIFT, PolyPhen-2, Align-GVGD) all suggest that this variant is likely to be disruptive. In summary, the available evidence is currently insufficient to determine the role of this variant in disease. Therefore, it has been classified as a Variant of Uncertain Significance.

NM_206933.4(USH2A):c.8783G>A (p.Gly2928Glu)

Gene: USH2A (usherin; minus strand). Cytogenetic location: 1q41.
Variant type: single nucleotide variant.
Coding change: c.8783G>A on transcript NM_206933.4 (MANE Select); coding-DNA position 8783, G replaced by A.
Protein change: p.Gly2928Glu; replaces glycine 2928 with glutamic acid.
Molecular consequence: missense variant.
Genome position (GRCh38, 1-based): chr1:215,867,069, C>T on the plus strand (G>A on the coding strand, the complement: USH2A is on the minus strand). VCF-style: chr1-215867069-C-T. GRCh37 (hg19) VCF-style: chr1-216040411-C-T.
Other names: c.8783G>A (NM_206933.2); short protein forms G2928E.
Identifiers: ClinVar variation 2167037 (VCV002167037.4), dbSNP rs746586128, ClinGen allele CA1394510.